The following is an entry in ClinVar:

NM_005762.3(TRIM28):c.2202C>T (p.Pro734=)

Gene: TRIM28 (tripartite motif containing 28; plus strand). Cytogenetic location: 19q13.43.
Variant type: single nucleotide variant.
Coding change: c.2202C>T on transcript NM_005762.3 (MANE Select); coding-DNA position 2202, C replaced by T.
Protein change: p.Pro734=; no amino-acid change (proline 734 retained).
Molecular consequence: synonymous variant.
Genome position (GRCh38, 1-based): chr19:58,550,155, C>T. VCF-style: chr19-58550155-C-T. GRCh37 (hg19) VCF-style: chr19-59061522-C-T.
Identifiers: ClinVar variation 4804366 (VCV004804366.5).
Genomic context (GRCh38, chr19:58,550,155, plus strand): 5'-TGTGCATGTATATGTGTGTCTTTGTGTGTGTATGTGTGATCTCTGCCTGCAGGACCAGCC[C>T]GGTGGCACCCTGGATCTGACCCTGATCCGTGCCCGCCTCCAGGAGAAGTTGTCACCTCCC-3'
Protein context (NP_005753.1, residues 724-744): ATDSTFSLDQ[Pro734=]GGTLDLTLIR

ClinVar aggregate classification (germline): Likely benign. Review status: criteria provided, multiple submitters, no conflicts (2 of 4 stars). 2 submissions from 2 submitters: Likely benign (2). Last evaluated 2026-02-01.

gnomAD v4.1: 60 of 1,613,728 alleles (0.0037%); highest among the groups gnomAD compares: Non-Finnish European, 0.0042%; no homozygotes.

Submissions (2):

CeGaT Center for Human Genetics Tuebingen
Classification: Likely benign. Last evaluated: 2026-02-01. Review status: criteria provided, single submitter. Criteria: CeGaT Center For Human Genetics Tuebingen Variant Classification Criteria Version 2. Collection method: clinical testing. Allele origin: germline. Affected: yes. Observed: 1 variant allele.
Comment: TRIM28: BP4, BP7

Labcorp Genetics (formerly Invitae), Labcorp
Classification: Likely benign. Last evaluated: 2026-01-21. Review status: criteria provided, single submitter. Criteria: Invitae Variant Classification Sherloc (09022015). Collection method: clinical testing. Allele origin: germline.